The following is an entry in ClinVar:

ClinVar aggregate classification (germline): Likely benign. Review status: criteria provided, multiple submitters, no conflicts (2 of 4 stars). 3 submissions from 3 submitters: Likely benign (3). Last evaluated 2025-10-27.

Conditions:
Charcot-Marie-Tooth disease. Also called: Charcot-Marie-Tooth Neuropathy; Charcot-Marie-Tooth Hereditary Neuropathy. Identifiers: Orphanet 166, MedGen C0007959, MONDO:0015626.
Charcot-Marie-Tooth disease type 4. Also called: Charcot-Marie-Tooth disease, type IV; Charcot-Marie-Tooth, Type 4. Identifiers: Orphanet 64749, MedGen C4082197, MONDO:0018995.

Allele frequency attached by ClinVar (database versions not stated): gnomAD exomes below 0.00001 and 0.00001; ExAC 0.00001; gnomAD 0.00002; TOPMed 0.00002.
gnomAD v4.1: 9 of 1,603,834 alleles (0.00056%); highest among the groups gnomAD compares: Non-Finnish European, 0.00077%; no homozygotes.

Submissions (3):

Labcorp Genetics (formerly Invitae), Labcorp
Classification: Likely benign for Charcot-Marie-Tooth disease type 4. Last evaluated: 2025-10-27. Review status: criteria provided, single submitter. Criteria: Invitae Variant Classification Sherloc (09022015). Collection method: clinical testing. Allele origin: germline.

GeneDx
Classification: Likely benign. Last evaluated: 2017-01-26. Review status: criteria provided, single submitter. Criteria: GeneDx Variant Classification (06012015). Collection method: clinical testing. Allele origin: germline. Affected: yes.
Comment: This variant is considered likely benign or benign based on one or more of the following criteria: it is a conservative change, it occurs at a poorly conserved position in the protein, it is predicted to be benign by multiple in silico algorithms, and/or has population frequency not consistent with disease.

Molecular Genetics Laboratory, London Health Sciences Centre
Classification: Likely benign for Charcot-Marie-Tooth disease. Review status: criteria provided, single submitter. Criteria: ACMG Guidelines, 2015. Collection method: clinical testing. Allele origin: germline. Affected: yes.

NM_014845.6(FIG4):c.1949-15C>T

Gene: FIG4 (FIG4 phosphoinositide 5-phosphatase; plus strand). Cytogenetic location: 6q21.
Variant type: single nucleotide variant.
Coding change: c.1949-15C>T on transcript NM_014845.6 (MANE Select); 15 bases into the intron before coding-DNA position 1949, C replaced by T.
Molecular consequence: intron variant.
Genome position (GRCh38, 1-based): chr6:109,786,287, C>T. VCF-style: chr6-109786287-C-T. GRCh37 (hg19) VCF-style: chr6-110107490-C-T.
Identifiers: ClinVar variation 506926 (VCV000506926.5), dbSNP rs778444771, ClinGen allele CA3956254.